The following is an entry in ClinVar:

NM_001206927.2(DNAH8):c.6772G>A (p.Asp2258Asn)

Gene: DNAH8 (dynein axonemal heavy chain 8; plus strand). Cytogenetic location: 6p21.2.
Variant type: single nucleotide variant.
Coding change: c.6772G>A on transcript NM_001206927.2 (MANE Select); coding-DNA position 6772, G replaced by A.
Protein change: p.Asp2258Asn; replaces aspartic acid 2258 with asparagine.
Molecular consequence: missense variant.
Genome position (GRCh38, 1-based): chr6:38,868,140, G>A. VCF-style: chr6-38868140-G-A. GRCh37 (hg19) VCF-style: chr6-38835916-G-A.
Other names: c.6772G>A (NM_001206927.1); c.6121G>A, p.Asp2041Asn (NM_001371.4); short protein forms D2041N, D2258N.
Identifiers: ClinVar variation 2144715 (VCV002144715.5), dbSNP rs552357174, ClinGen allele CA3789754.
Genomic context (GRCh38, chr6:38,868,140, plus strand): 5'-TTGAGAAATATTCTGTCTGTATTGAGGACTCTTGGATCTCAAAAAAGAGCCAGACCAGAA[G>A]ATAGTGAATTAAGCATTGTCATGAGAGGACTAAGAGATATGAACCTTTCCAAACTGGTAT-3'
Protein context (NP_001193856.1, residues 2248-2268): LGSQKRARPE[Asp2258Asn]SELSIVMRGL

ClinVar aggregate classification (germline): Uncertain significance. Review status: criteria provided, multiple submitters, no conflicts (2 of 4 stars). 3 submissions from 3 submitters: Uncertain significance (3). Last evaluated 2024-01-15.

Conditions:
Primary ciliary dyskinesia. Also called: Ciliary dyskinesia. Identifiers: Orphanet 244, MedGen C0008780, MONDO:0016575, HP:0012265.

Allele frequency attached by ClinVar (database versions not stated): ExAC 0.00002; gnomAD exomes 0.00002; TOPMed 0.00002; gnomAD 0.00003; 1000 Genomes Project 30x 0.00016; 1000 Genomes Project 0.00020.
gnomAD v4.1: 41 of 1,613,900 alleles (0.0025%); highest among the groups gnomAD compares: South Asian, 0.034%; no homozygotes.

Submissions (3):

Labcorp Genetics (formerly Invitae), Labcorp
Classification: Uncertain significance for Primary ciliary dyskinesia. Last evaluated: 2024-01-15. Review status: criteria provided, single submitter. Criteria: Invitae Variant Classification Sherloc (09022015). Collection method: clinical testing. Allele origin: germline.
Comment: This sequence change replaces aspartic acid, which is acidic and polar, with asparagine, which is neutral and polar, at codon 2258 of the DNAH8 protein (p.Asp2258Asn). This variant is present in population databases (rs552357174, gnomAD 0.03%). This variant has not been reported in the literature in individuals affected with DNAH8-related conditions. ClinVar contains an entry for this variant (Variation ID: 2144715). Advanced modeling of protein sequence and biophysical properties (such as structural, functional, and spatial information, amino acid conservation, physicochemical variation, residue mobility, and thermodynamic stability) performed at Invitae indicates that this missense variant is not expected to disrupt DNAH8 protein function with a negative predictive value of 80%. Algorithms developed to predict the effect of sequence changes on RNA splicing suggest that this variant may disrupt the consensus splice site. In summary, the available evidence is currently insufficient to determine the role of this variant in disease. Therefore, it has been classified as a Variant of Uncertain Significance.

Ambry Genetics
Classification: Uncertain significance. Last evaluated: 2023-09-22. Review status: criteria provided, single submitter. Criteria: Ambry Variant Classification Scheme 2023. Collection method: clinical testing. Allele origin: germline.

GeneDx
Classification: Uncertain significance. Last evaluated: 2023-05-19. Review status: criteria provided, single submitter. Criteria: GeneDx Variant Classification Process June 2021. Collection method: clinical testing. Allele origin: germline. Affected: yes.
Comment: In silico analysis supports that this missense variant has a deleterious effect on protein structure/function; Has not been previously published as pathogenic or benign to our knowledge